The following is an entry in ClinVar:

ClinVar aggregate classification (germline): Uncertain significance (1 of 4 stars; one submission).

Conditions:
Haddad syndrome (OHD). Also called: Ondine-Hirschsprung disease. Identifiers: Orphanet 99803, MedGen C1859049, MONDO:0020493.

Submission:

Labcorp Genetics (formerly Invitae), Labcorp
Classification: Uncertain significance for Haddad syndrome. Last evaluated: 2023-05-02. Review status: criteria provided, single submitter. Criteria: Invitae Variant Classification Sherloc (09022015). Collection method: clinical testing. Allele origin: germline.
Comment: In summary, the available evidence is currently insufficient to determine the role of this variant in disease. Therefore, it has been classified as a Variant of Uncertain Significance. This sequence change replaces isoleucine, which is neutral and non-polar, with valine, which is neutral and non-polar, at codon 47 of the PHOX2B protein (p.Ile47Val). This variant is not present in population databases (gnomAD no frequency). This variant has not been reported in the literature in individuals affected with PHOX2B-related conditions. Advanced modeling of protein sequence and biophysical properties (such as structural, functional, and spatial information, amino acid conservation, physicochemical variation, residue mobility, and thermodynamic stability) performed at Invitae indicates that this missense variant is not expected to disrupt PHOX2B protein function. Algorithms developed to predict the effect of sequence changes on RNA splicing suggest that this variant may create or strengthen a splice site.

NM_003924.4(PHOX2B):c.139A>G (p.Ile47Val)

Genes: PHOX2B (paired like homeobox 2B; minus strand), PHOX2B-AS1 (PHOX2B antisense RNA 1; plus strand). Cytogenetic location: 4p13.
Variant type: single nucleotide variant.
Coding change: c.139A>G on transcript NM_003924.4 (MANE Select); coding-DNA position 139, A replaced by G.
Protein change: p.Ile47Val; replaces isoleucine 47 with valine.
Molecular consequence: missense variant. On other transcripts: non-coding transcript variant (1).
Genome position (GRCh38, 1-based): chr4:41,748,472, T>C on the plus strand (A>G on the coding strand, the complement: PHOX2B is on the minus strand). VCF-style: chr4-41748472-T-C. GRCh37 (hg19) VCF-style: chr4-41750489-T-C.
Other names: short protein forms I47V.
Identifiers: ClinVar variation 3023613 (VCV003023613.3), dbSNP rs2552097179, ClinGen allele CA356740995.